The following is an entry in ClinVar:

ClinVar aggregate classification (germline): Uncertain significance (1 of 4 stars; one submission).

Conditions:
Candidiasis, familial, 6 (CANDF6). Also called: Candidiasis, familial, 6, autosomal dominant. Identifiers: Orphanet 1334, MedGen C3151405, MONDO:0013503, OMIM 613956.

Submission:

Labcorp Genetics (formerly Invitae), Labcorp
Classification: Uncertain significance for Candidiasis, familial, 6. Last evaluated: 2025-01-23. Review status: criteria provided, single submitter. Criteria: Invitae Variant Classification Sherloc (09022015). Collection method: clinical testing. Allele origin: germline.
Comment: This sequence change replaces tyrosine, which is neutral and polar, with cysteine, which is neutral and slightly polar, at codon 93 of the IL17F protein (p.Tyr93Cys). This variant is not present in population databases (gnomAD no frequency). This variant has not been reported in the literature in individuals affected with IL17F-related conditions. An algorithm developed to predict the effect of missense changes on protein structure and function (PolyPhen-2) suggests that this variant is likely to be disruptive. In summary, the available evidence is currently insufficient to determine the role of this variant in disease. Therefore, it has been classified as a Variant of Uncertain Significance.

NM_052872.4(IL17F):c.278A>G (p.Tyr93Cys)

Gene: IL17F (interleukin 17F; minus strand). Cytogenetic location: 6p12.2.
Variant type: single nucleotide variant.
Coding change: c.278A>G on transcript NM_052872.4 (MANE Select); coding-DNA position 278, A replaced by G.
Protein change: p.Tyr93Cys; replaces tyrosine 93 with cysteine.
Molecular consequence: missense variant.
Genome position (GRCh38, 1-based): chr6:52,237,145, T>C on the plus strand (A>G on the coding strand, the complement: IL17F is on the minus strand). VCF-style: chr6-52237145-T-C. GRCh37 (hg19) VCF-style: chr6-52101943-T-C.
Other names: short protein forms Y93C.
Identifiers: ClinVar variation 3705722 (VCV003705722.2).